The following is an entry in ClinVar:

ClinVar aggregate classification (germline): Uncertain significance. Review status: criteria provided, multiple submitters, no conflicts (2 of 4 stars). 4 submissions from 4 submitters: Uncertain significance (3). 1 of the submissions does not count toward it. Last evaluated 2021-12-15.

Conditions:
MHC class II deficiency. Also called: Bare lymphocyte syndrome 2; BLS, TYPE II. Identifiers: Orphanet 572, MedGen C5447452, MONDO:0008855.
Rheumatoid arthritis (RA). Also called: RHEUMATOID ARTHRITIS, SUSCEPTIBILITY TO. Identifiers: MedGen C0003873, MONDO:0008383, OMIM 180300, HP:0001370.

Allele frequency attached by ClinVar (database versions not stated): ExAC 0.00006; gnomAD 0.00006 and 0.00007; gnomAD exomes 0.00006 and 0.00015; TOPMed 0.00007; ESP Exome Variant Server 0.00008.
gnomAD v4.1: 228 of 1,610,706 alleles (0.014%); highest among the groups gnomAD compares: Non-Finnish European, 0.018%; no homozygotes.

Submissions (4):

Fulgent Genetics
Classification: Uncertain significance for Rheumatoid arthritis; MHC class II deficiency 1. Last evaluated: 2021-12-15. Review status: criteria provided, single submitter. Criteria: ACMG Guidelines, 2015. Collection method: clinical testing. Allele origin: unknown.

Labcorp Genetics (formerly Invitae), Labcorp
Classification: Uncertain significance for MHC class II deficiency. Last evaluated: 2021-10-29. Review status: criteria provided, single submitter. Criteria: Invitae Variant Classification Sherloc (09022015). Collection method: clinical testing. Allele origin: germline.
Comment: This sequence change replaces glutamine, which is neutral and polar, with lysine, which is basic and polar, at codon 103 of the CIITA protein (p.Gln103Lys). This variant is present in population databases (rs371519540, gnomAD 0.01%). This variant has not been reported in the literature in individuals affected with CIITA-related conditions. ClinVar contains an entry for this variant (Variation ID: 571291). Algorithms developed to predict the effect of missense changes on protein structure and function (SIFT, PolyPhen-2, Align-GVGD) all suggest that this variant is likely to be tolerated. In summary, the available evidence is currently insufficient to determine the role of this variant in disease. Therefore, it has been classified as a Variant of Uncertain Significance.

Illumina Laboratory Services, Illumina
Classification: Uncertain significance for MHC class II deficiency 1. Last evaluated: 2018-01-12. Review status: criteria provided, single submitter. Criteria: ICSL Variant Classification Criteria 13 December 2019. Collection method: clinical testing. Allele origin: germline.

Natera, Inc.
Classification: Uncertain significance for Bare lymphocyte syndrome type II. Last evaluated: 2019-10-28. Review status: no assertion criteria provided. Collection method: clinical testing. Allele origin: germline. Not counted in ClinVar's aggregate classification.

NM_000246.4(CIITA):c.307C>A (p.Gln103Lys)

Gene: CIITA (class II major histocompatibility complex transactivator; plus strand). Cytogenetic location: 16p13.13.
Variant type: single nucleotide variant.
Coding change: c.307C>A on transcript NM_000246.4 (MANE Select); coding-DNA position 307, C replaced by A.
Protein change: p.Gln103Lys; replaces glutamine 103 with lysine.
Molecular consequence: missense variant. On other transcripts: non-coding transcript variant (1).
Genome position (GRCh38, 1-based): chr16:10,898,681, C>A. VCF-style: chr16-10898681-C-A. GRCh37 (hg19) VCF-style: chr16-10992538-C-A.
Other names: c.307C>A, p.Gln103Lys (NM_001286402.1, NM_001286403.2, NM_001379330.1 and 3 more transcripts); c.235C>A, p.Gln79Lys (NM_001379334.1); short protein forms Q103K, Q79K.
Identifiers: ClinVar variation 571291 (VCV000571291.11), dbSNP rs371519540, ClinGen allele CA7899663.